The following is an entry in ClinVar:

NM_001308093.3(GATA4):c.413C>T (p.Ala138Val)

Gene: GATA4 (GATA binding protein 4). Cytogenetic location: 8p23.1.
Variant type: single nucleotide variant.
Coding change: c.413C>T on transcript NM_001308093.3 (MANE Select); coding-DNA position 413, C replaced by T.
Protein change: p.Ala138Val; replaces alanine 138 with valine.
Molecular consequence: missense variant. On other transcripts: intron variant (3).
Genome position (GRCh38, 1-based): chr8:11,708,725, C>T. VCF-style: chr8-11708725-C-T. GRCh37 (hg19) VCF-style: chr8-11566234-C-T.
Other names: c.413C>T, p.Ala138Val (NM_002052.5); c.-6+7947C>T (NM_001308094.2); c.-3+711C>T (NM_001374274.1); c.-3+4421C>T (NM_001374273.1); short protein forms A138V.
Identifiers: ClinVar variation 2742951 (VCV002742951.3), dbSNP rs2486781092, ClinGen allele CA370309572.

ClinVar aggregate classification (germline): Uncertain significance (1 of 4 stars; one submission).

Conditions:
Atrioventricular septal defect 4 (AVSD4). Identifiers: MedGen C3280781, MONDO:0013747, OMIM 614430.

Allele frequency attached by ClinVar (database versions not stated): gnomAD exomes 0.00001.
gnomAD v4.1: 2 of 1,268,138 alleles (0.00016%); highest among the groups gnomAD compares: Non-Finnish European, 0.0002%; no homozygotes.

Submission:

Labcorp Genetics (formerly Invitae), Labcorp
Classification: Uncertain significance for Atrioventricular septal defect 4. Last evaluated: 2024-08-28. Review status: criteria provided, single submitter. Criteria: Invitae Variant Classification Sherloc (09022015). Collection method: clinical testing. Allele origin: germline.
Comment: This sequence change replaces alanine, which is neutral and non-polar, with valine, which is neutral and non-polar, at codon 138 of the GATA4 protein (p.Ala138Val). This variant is not present in population databases (gnomAD no frequency). This variant has not been reported in the literature in individuals affected with GATA4-related conditions. An algorithm developed to predict the effect of missense changes on protein structure and function (PolyPhen-2) suggests that this variant is likely to be tolerated. In summary, the available evidence is currently insufficient to determine the role of this variant in disease. Therefore, it has been classified as a Variant of Uncertain Significance.